The following is an entry in ClinVar:

NM_001184.4(ATR):c.4988C>T (p.Thr1663Ile)

Gene: ATR (ATR checkpoint kinase; minus strand). Cytogenetic location: 3q23.
Variant type: single nucleotide variant.
Coding change: c.4988C>T on transcript NM_001184.4 (MANE Select); coding-DNA position 4988, C replaced by T.
Protein change: p.Thr1663Ile; replaces threonine 1663 with isoleucine.
Molecular consequence: missense variant.
Genome position (GRCh38, 1-based): chr3:142,507,974, G>A on the plus strand (C>T on the coding strand, the complement: ATR is on the minus strand). VCF-style: chr3-142507974-G-A. GRCh37 (hg19) VCF-style: chr3-142226816-G-A.
Other names: c.4796C>T, p.Thr1599Ile (NM_001354579.2); short protein forms T1663I, T1599I.
Identifiers: ClinVar variation 1744554 (VCV001744554.2), dbSNP rs984341860, ClinGen allele CA84768608.

ClinVar aggregate classification (germline): Uncertain significance (1 of 4 stars; one submission).

Conditions:
Inborn genetic diseases. Identifiers: MedGen C0950123, MeSH D030342.

Allele frequency attached by ClinVar (database versions not stated): gnomAD 0.00002; TOPMed 0.00005.
gnomAD v4.1: 4 of 1,613,144 alleles (0.00025%); highest among the groups gnomAD compares: African/African-American, 0.004%; no homozygotes.

Submission:

Ambry Genetics
Classification: Uncertain significance for Inborn genetic diseases. Last evaluated: 2021-11-23. Review status: criteria provided, single submitter. Criteria: Ambry Variant Classification Scheme 2023. Collection method: clinical testing. Allele origin: germline.
Comment: The p.T1663I variant (also known as c.4988C>T), located in coding exon 28 of the ATR gene, results from a C to T substitution at nucleotide position 4988. The threonine at codon 1663 is replaced by isoleucine, an amino acid with similar properties. This amino acid position is conserved. In addition, this alteration is predicted to be tolerated by in silico analysis. Since supporting evidence is limited at this time, the clinical significance of this alteration remains unclear.